The following is an entry in ClinVar:

NM_001035.3(RYR2):c.1229A>T (p.His410Leu)

Gene: RYR2 (ryanodine receptor 2; plus strand). Cytogenetic location: 1q43.
Variant type: single nucleotide variant.
Coding change: c.1229A>T on transcript NM_001035.3 (MANE Select); coding-DNA position 1229, A replaced by T.
Protein change: p.His410Leu; replaces histidine 410 with leucine.
Molecular consequence: missense variant.
Genome position (GRCh38, 1-based): chr1:237,445,459, A>T. VCF-style: chr1-237445459-A-T. GRCh37 (hg19) VCF-style: chr1-237608759-A-T.
Other names: short protein forms H410L.
Identifiers: ClinVar variation 1321066 (VCV001321066.2), dbSNP rs1484635180, ClinGen allele CA345377702.

ClinVar aggregate classification (germline): Uncertain significance (1 of 4 stars; one submission).

gnomAD v4.1: 1 of 1,613,804 alleles (0.000062%); highest among the groups gnomAD compares: Non-Finnish European, 0.000085%; no homozygotes.

Submission:

GeneDx
Classification: Uncertain significance. Last evaluated: 2020-01-29. Review status: criteria provided, single submitter. Criteria: GeneDx Variant Classification Process June 2021. Collection method: clinical testing. Allele origin: germline. Affected: yes.
Comment: Has not been previously published as pathogenic or benign to our knowledge; Not observed in large population cohorts (Lek et al., 2016); In silico analysis, which includes protein predictors and evolutionary conservation, supports a deleterious effect; Is located in one of the three hot-spot regions of the RYR2 gene, where the majority of pathogenic missense variants occur (Medeiros-Domingo et al., 2009)